The following is an entry in ClinVar:

NM_000843.4(GRM6):c.2124+3G>A

Genes: GRM6 (glutamate metabotropic receptor 6; minus strand), ZNF454 (zinc finger protein 454; plus strand). Cytogenetic location: 5q35.3.
Variant type: single nucleotide variant.
Coding change: c.2124+3G>A on transcript NM_000843.4 (MANE Select); 3 bases into the intron after coding-DNA position 2124, G replaced by A.
Molecular consequence: intron variant.
Genome position (GRCh38, 1-based): chr5:178,986,127, C>T on the plus strand (G>A on the coding strand, the complement: GRM6 is on the minus strand). VCF-style: chr5-178986127-C-T. GRCh37 (hg19) VCF-style: chr5-178413128-C-T.
Identifiers: ClinVar variation 1904228 (VCV001904228.5), dbSNP rs758259477, ClinGen allele CA3593821.

ClinVar aggregate classification (germline): Uncertain significance (1 of 4 stars; one submission).

Allele frequency attached by ClinVar (database versions not stated): TOPMed below 0.00001; gnomAD exomes 0.00001; ExAC 0.00002.
gnomAD v4.1: 4 of 1,612,942 alleles (0.00025%); highest among the groups gnomAD compares: South Asian, 0.0022%; no homozygotes.

Submission:

Labcorp Genetics (formerly Invitae), Labcorp
Classification: Uncertain significance. Last evaluated: 2023-12-11. Review status: criteria provided, single submitter. Criteria: Invitae Variant Classification Sherloc (09022015). Collection method: clinical testing. Allele origin: germline.
Comment: This sequence change falls in intron 8 of the GRM6 gene. It does not directly change the encoded amino acid sequence of the GRM6 protein. It affects a nucleotide within the consensus splice site. The frequency data for this variant in the population databases is considered unreliable, as metrics indicate poor data quality at this position in the gnomAD database. This variant has not been reported in the literature in individuals affected with GRM6-related conditions. ClinVar contains an entry for this variant (Variation ID: 1904228). Variants that disrupt the consensus splice site are a relatively common cause of aberrant splicing (PMID: 17576681, 9536098). Algorithms developed to predict the effect of sequence changes on RNA splicing suggest that this variant is not likely to affect RNA splicing. In summary, the available evidence is currently insufficient to determine the role of this variant in disease. Therefore, it has been classified as a Variant of Uncertain Significance.

Literature cited by the submitters: PubMed 17576681; PubMed 9536098.